The following is an entry in ClinVar:

NM_001199138.2(NLRC4):c.331A>T (p.Thr111Ser)

Gene: NLRC4 (NLR family CARD domain containing 4; minus strand). Cytogenetic location: 2p22.3.
Variant type: single nucleotide variant.
Coding change: c.331A>T on transcript NM_001199138.2 (MANE Select); coding-DNA position 331, A replaced by T.
Protein change: p.Thr111Ser; replaces threonine 111 with serine.
Molecular consequence: missense variant. On other transcripts: intron variant (1).
Genome position (GRCh38, 1-based): chr2:32,251,533, T>A on the plus strand (A>T on the coding strand, the complement: NLRC4 is on the minus strand). VCF-style: chr2-32251533-T-A. GRCh37 (hg19) VCF-style: chr2-32476602-T-A.
Other names: c.331A>T, p.Thr111Ser (NM_001199139.2, NM_021209.5); c.262+886A>T (NM_001302504.1); short protein forms T111S.
Identifiers: ClinVar variation 2953549 (VCV002953549.3), dbSNP rs1433504290, ClinGen allele CA346516456.

ClinVar aggregate classification (germline): Uncertain significance (1 of 4 stars; one submission).

Conditions:
Periodic fever-infantile enterocolitis-autoinflammatory syndrome. Also called: Autoinflammation with infantile enterocolitis. Identifiers: Orphanet 436166, MedGen C4015067, MONDO:0014472, OMIM 616050.
Familial cold autoinflammatory syndrome 4 (FCAS4). Identifiers: Orphanet 47045, Orphanet 576349, MedGen C4015276, MONDO:0014498, OMIM 616115.

Allele frequency attached by ClinVar (database versions not stated): TOPMed 0.00001.
gnomAD v4.1: 1 of 1,613,884 alleles (0.000062%); highest among the groups gnomAD compares: Non-Finnish European, 0.000085%; no homozygotes.

Submission:

Labcorp Genetics (formerly Invitae), Labcorp
Classification: Uncertain significance for Periodic fever-infantile enterocolitis-autoinflammatory syndrome; Familial cold autoinflammatory syndrome 4. Last evaluated: 2025-06-16. Review status: criteria provided, single submitter. Criteria: Invitae Variant Classification Sherloc (09022015). Collection method: clinical testing. Allele origin: germline.
Comment: This sequence change replaces threonine, which is neutral and polar, with serine, which is neutral and polar, at codon 111 of the NLRC4 protein (p.Thr111Ser). This variant is not present in population databases (gnomAD no frequency). This variant has not been reported in the literature in individuals affected with NLRC4-related conditions. ClinVar contains an entry for this variant (Variation ID: 2953549). Invitae Evidence Modeling of protein sequence and biophysical properties (such as structural, functional, and spatial information, amino acid conservation, physicochemical variation, residue mobility, and thermodynamic stability) indicates that this missense variant is not expected to disrupt NLRC4 protein function with a negative predictive value of 80%. In summary, the available evidence is currently insufficient to determine the role of this variant in disease. Therefore, it has been classified as a Variant of Uncertain Significance.